The following is an entry in ClinVar:

NM_153240.5(NPHP3):c.2985C>T (p.Tyr995=)

Genes: NPHP3 (nephrocystin 3; minus strand), NPHP3-ACAD11 (NPHP3-ACAD11 readthrough (NMD candidate); minus strand). Cytogenetic location: 3q22.1.
Variant type: single nucleotide variant.
Coding change: c.2985C>T on transcript NM_153240.5 (MANE Select); coding-DNA position 2985, C replaced by T.
Protein change: p.Tyr995=; no amino-acid change (tyrosine 995 retained).
Molecular consequence: synonymous variant. On other transcripts: non-coding transcript variant (1).
Genome position (GRCh38, 1-based): chr3:132,688,790, G>A on the plus strand (C>T on the coding strand, the complement: NPHP3 is on the minus strand). VCF-style: chr3-132688790-G-A. GRCh37 (hg19) VCF-style: chr3-132407634-G-A.
Identifiers: ClinVar variation 343380 (VCV000343380.12), dbSNP rs777768843, ClinGen allele CA2621870.

ClinVar aggregate classification (germline): Conflicting classifications of pathogenicity. Review status: criteria provided, conflicting classifications (1 of 4 stars). 6 submissions from 4 submitters: Uncertain significance (3); Likely benign (2). 1 of the submissions does not count toward it. Last evaluated 2026-01-11.

Conditions:
Renal-hepatic-pancreatic dysplasia 1 (RHPD1). Identifiers: MedGen C3715199, MONDO:0008833, OMIM 208540.
NPHP3-related Meckel-like syndrome. Also called: GOLDSTON SYNDROME; Meckel syndrome type 7. Identifiers: Orphanet 3032, MedGen C2673885, MONDO:0009966, OMIM 267010.
Nephronophthisis 3 (NPHP3). Also called: Adolescent nephronophthisis. Identifiers: Orphanet 655, MedGen C1858392, MONDO:0011456, OMIM 604387.
NPHP3-related disorder. Also called: NPHP3-related condition; NPHP3-related disorders. Identifiers: MedGen CN379163.
Nephronophthisis. Also called: Juvenile Nephronophthisis. Identifiers: Orphanet 655, MedGen C0687120, MONDO:0019005, HP:0000090.

Allele frequency attached by ClinVar (database versions not stated): ExAC 0.00001; gnomAD exomes 0.00002 and 0.00005; TOPMed 0.00005.
gnomAD v4.1: 85 of 1,613,888 alleles (0.0053%); highest among the groups gnomAD compares: East Asian, 0.0067%; no homozygotes.

Submissions (6):

Labcorp Genetics (formerly Invitae), Labcorp
Classification: Likely benign for Nephronophthisis. Last evaluated: 2026-01-11. Review status: criteria provided, single submitter. Criteria: Invitae Variant Classification Sherloc (09022015). Collection method: clinical testing. Allele origin: germline.

Blueprint Genetics
Classification: Likely benign. Last evaluated: 2023-05-23. Review status: criteria provided, single submitter. Criteria: ACMG Guidelines, 2015. Collection method: clinical testing. Allele origin: germline.

Illumina Laboratory Services, Illumina
Classification: Uncertain significance for NPHP3-related Meckel-like syndrome. Last evaluated: 2018-01-13. Review status: criteria provided, single submitter. Criteria: ICSL Variant Classification Criteria 13 December 2019. Collection method: clinical testing. Allele origin: germline.

Illumina Laboratory Services, Illumina
Classification: Uncertain significance for Nephronophthisis 3. Last evaluated: 2018-01-13. Review status: criteria provided, single submitter. Criteria: ICSL Variant Classification Criteria 13 December 2019. Collection method: clinical testing. Allele origin: germline.

Illumina Laboratory Services, Illumina
Classification: Uncertain significance for Renal-hepatic-pancreatic dysplasia 1. Last evaluated: 2018-01-13. Review status: criteria provided, single submitter. Criteria: ICSL Variant Classification Criteria 13 December 2019. Collection method: clinical testing. Allele origin: germline.

PreventionGenetics, part of Exact Sciences
Classification: Likely benign for NPHP3-related condition. Last evaluated: 2023-02-21. Review status: no assertion criteria provided. Collection method: clinical testing. Allele origin: germline. Not counted in ClinVar's aggregate classification.
Comment: This variant is classified as likely benign based on ACMG/AMP sequence variant interpretation guidelines (Richards et al. 2015 PMID: 25741868, with internal and published modifications).